The following is an entry in ClinVar:

ClinVar aggregate classification (germline): Pathogenic/Likely pathogenic. Review status: criteria provided, multiple submitters, no conflicts (2 of 4 stars). 3 submissions from 3 submitters: Pathogenic (2); Likely pathogenic (1). Last evaluated 2025-07-11.

Conditions:
Cardiovascular phenotype. Identifiers: MedGen CN230736.
Hereditary cancer-predisposing syndrome. Also called: Tumor predisposition; Hereditary neoplastic syndrome; Neoplastic Syndromes, Hereditary; Hereditary Cancer Syndrome. Identifiers: Orphanet 140162, MedGen C0027672, MeSH D009386, MONDO:0015356.
Neurofibromatosis, type 1 (NF1). Also called: VON RECKLINGHAUSEN DISEASE; Peripheral type neurofibromatosis; Neurofibromatosis, type I; NEUROFIBROMATOSIS, TYPE I, SOMATIC. Identifiers: Orphanet 636, MedGen C0027831, MONDO:0018975, OMIM 162200. Disease mechanism: loss of function.

Submissions (3):

Mayo Clinic Laboratories, Mayo Clinic
Classification: Likely pathogenic. Last evaluated: 2025-07-11. Review status: criteria provided, single submitter. Criteria: ACMG Guidelines, 2015. Collection method: clinical testing. Allele origin: germline. Observed: 1 variant allele.
Comment: PM2_supporting, PVS1

Ambry Genetics
Classification: Pathogenic for Cardiovascular phenotype; Hereditary cancer-predisposing syndrome. Last evaluated: 2024-03-06. Review status: criteria provided, single submitter. Criteria: Ambry Variant Classification Scheme 2023. Collection method: clinical testing. Allele origin: germline.
Comment: The c.7146delT pathogenic mutation, located in coding exon 48 of the NF1 gene, results from a deletion of one nucleotide at nucleotide position 7146, causing a translational frameshift with a predicted alternate stop codon (p.A2383Lfs*14). This alteration is expected to result in loss of function by premature protein truncation or nonsense-mediated mRNA decay. As such, this alteration is interpreted as a disease-causing mutation.

Labcorp Genetics (formerly Invitae), Labcorp
Classification: Pathogenic for Neurofibromatosis, type 1. Last evaluated: 2019-07-05. Review status: criteria provided, single submitter. Criteria: Invitae Variant Classification Sherloc (09022015). Collection method: clinical testing. Allele origin: germline.
Comment: For these reasons, this variant has been classified as Pathogenic. Loss-of-function variants in NF1 are known to be pathogenic (PMID: 10712197, 23913538). This variant has not been reported in the literature in individuals with NF1-related conditions. This variant is not present in population databases (ExAC no frequency). This sequence change creates a premature translational stop signal (p.Ala2383Leufs*14) in the NF1 gene. It is expected to result in an absent or disrupted protein product.

Literature cited by the submitters: PubMed 10712197 (cited by Labcorp Genetics (formerly Invitae), Labcorp); PubMed 23913538 (cited by Labcorp Genetics (formerly Invitae), Labcorp).

NM_001042492.3(NF1):c.7209del (p.Ala2404fs)

Gene: NF1 (neurofibromin 1; plus strand). Cytogenetic location: 17q11.2.
Variant type: Deletion.
Coding change: c.7209del on transcript NM_001042492.3 (MANE Select); coding-DNA position 7209, one base deleted (T; older notation c.7209delT).
Protein change: p.Ala2404fs; shifts the reading frame from alanine 2404.
Molecular consequence: frameshift variant.
Genome position (GRCh38, 1-based): chr17:31,349,139, T deleted. VCF-style (leftmost placement, unchanged base first): chr17-31349138-CT-C. GRCh37 (hg19) VCF-style: chr17-29676156-CT-C.
Other names: p.Ala2383Leufs*14; c.7146delT, p.Ala2383Leufs (NM_000267.4); c.7146delT (NM_000267.3); short protein forms A2404fs, A2383fs.
Identifiers: ClinVar variation 933752 (VCV000933752.8), dbSNP rs2070074227, ClinGen allele CA1139665469.